The following is an entry in ClinVar:

NM_015311.3(OBSL1):c.2168G>A (p.Arg723Lys)

Gene: OBSL1 (obscurin like cytoskeletal adaptor 1; minus strand). Cytogenetic location: 2q35.
Variant type: single nucleotide variant.
Coding change: c.2168G>A on transcript NM_015311.3 (MANE Select); coding-DNA position 2168, G replaced by A.
Protein change: p.Arg723Lys; replaces arginine 723 with lysine.
Molecular consequence: missense variant.
Genome position (GRCh38, 1-based): chr2:219,565,481, C>T on the plus strand (G>A on the coding strand, the complement: OBSL1 is on the minus strand). VCF-style: chr2-219565481-C-T. GRCh37 (hg19) VCF-style: chr2-220430203-C-T.
Other names: c.2168G>A, p.Arg723Lys (NM_001173408.2, NM_001173431.2); short protein forms R723K.
Identifiers: ClinVar variation 334508 (VCV000334508.25), dbSNP rs1039898, ClinGen allele CA2131304.

ClinVar aggregate classification (germline): Benign. Review status: criteria provided, multiple submitters, no conflicts (2 of 4 stars). 9 submissions from 9 submitters: Benign (7). 2 of the submissions do not count toward it. Last evaluated 2026-05-08.

Conditions:
3M syndrome 2. Also called: 3-M Syndrome, OBSL1-Related; THREE M SYNDROME 2. Identifiers: Orphanet 2616, MedGen C2752041, MONDO:0013039, OMIM 612921.

Allele frequency attached by ClinVar (database versions not stated): 1000 Genomes Project 30x 0.79013; 1000 Genomes Project 0.79273; TOPMed 0.80775; gnomAD 0.81697 and 0.82018; ESP Exome Variant Server 0.82823; ExAC 0.86545; gnomAD exomes 0.86728 and 0.89358.
gnomAD v4.1: 1,427,589 of 1,610,938 alleles (89%); highest among the groups gnomAD compares: Non-Finnish European, 91%; 635,987 homozygotes.

Submissions (9):

Women's Health and Genetics/Laboratory Corporation of America, LabCorp
Classification: Benign. Last evaluated: 2026-05-08. Review status: criteria provided, single submitter. Criteria: LabCorp Variant Classification Summary - May 2015. Collection method: clinical testing. Allele origin: germline.

Labcorp Genetics (formerly Invitae), Labcorp
Classification: Benign. Last evaluated: 2026-02-04. Review status: criteria provided, single submitter. Criteria: Invitae Variant Classification Sherloc (09022015). Collection method: clinical testing. Allele origin: germline.

Blueprint Genetics
Classification: Benign. Last evaluated: 2024-11-26. Review status: criteria provided, single submitter. Criteria: ACMG Guidelines, 2015. Collection method: clinical testing. Allele origin: germline.

Genome-Nilou Lab
Classification: Benign for 3M syndrome 2. Last evaluated: 2021-09-05. Review status: criteria provided, single submitter. Criteria: ACMG Guidelines, 2015. Collection method: clinical testing. Allele origin: germline. Affected: no.

GeneDx
Classification: Benign. Last evaluated: 2018-11-12. Review status: criteria provided, single submitter. Criteria: GeneDx Variant Classification Process June 2021. Collection method: clinical testing. Allele origin: germline. Affected: yes.

Illumina Laboratory Services, Illumina
Classification: Benign for 3M syndrome 2. Last evaluated: 2018-01-13. Review status: criteria provided, single submitter. Criteria: ICSL Variant Classification Criteria 13 December 2019. Collection method: clinical testing. Allele origin: germline.
Comment: This variant was observed in the ICSL laboratory as part of a predisposition screen in an ostensibly healthy population. It had not been previously curated by ICSL or reported in the Human Gene Mutation Database (HGMD: prior to June 1st, 2018), and was therefore a candidate for classification through an automated scoring system. Utilizing variant allele frequency, disease prevalence and penetrance estimates, and inheritance mode, an automated score was calculated to assess if this variant is too frequent to cause the disease. Based on the score and internal cut-off values, a variant classified as benign is not then subjected to further curation. The score for this variant resulted in a classification of benign for this disease.

Breakthrough Genomics
Classification: Benign. Review status: criteria provided, single submitter. Criteria: ACMG Guidelines, 2015. Collection method: not provided. Allele origin: germline. Inheritance: Autosomal recessive inheritance. Affected: yes.

Diagnostic Laboratory, Department of Genetics, University Medical Center Groningen
Classification: Benign. Review status: no assertion criteria provided. Collection method: clinical testing. Allele origin: germline. Affected: yes. Study: VKGL Data-share Consensus. Not counted in ClinVar's aggregate classification.

Joint Genome Diagnostic Labs from Nijmegen and Maastricht, Radboudumc and MUMC+
Classification: Benign. Review status: no assertion criteria provided. Collection method: clinical testing. Allele origin: germline. Affected: yes. Study: VKGL Data-share Consensus. Not counted in ClinVar's aggregate classification.